The following is an entry in ClinVar:

ClinVar aggregate classification (germline): Benign (1 of 4 stars; one submission).

Allele frequency attached by ClinVar (database versions not stated): 1000 Genomes Project 30x 0.12289; 1000 Genomes Project 0.12700; TOPMed 0.15710; gnomAD 0.19564.
gnomAD v4.1: 26,769 of 144,602 alleles (19%); highest among the groups gnomAD compares: Middle Eastern, 26%; 3,210 homozygotes.

Submission:

GeneDx
Classification: Benign. Last evaluated: 2018-06-14. Review status: criteria provided, single submitter. Criteria: GeneDx Variant Classification (06012015). Collection method: clinical testing. Allele origin: germline. Affected: yes.
Comment: This variant is considered likely benign or benign based on one or more of the following criteria: it is a conservative change, it occurs at a poorly conserved position in the protein, it is predicted to be benign by multiple in silico algorithms, and/or has population frequency not consistent with disease.

NM_001330078.2(NRXN1):c.3546+226T>C

Gene: NRXN1 (neurexin 1; minus strand). Cytogenetic location: 2p16.3.
Variant type: single nucleotide variant.
Coding change: c.3546+226T>C on transcript NM_001330078.2 (MANE Select); 226 bases into the intron after coding-DNA position 3546, T replaced by C.
Molecular consequence: intron variant.
Genome position (GRCh38, 1-based): chr2:50,236,563, A>G on the plus strand (T>C on the coding strand, the complement: NRXN1 is on the minus strand). VCF-style: chr2-50236563-A-G. GRCh37 (hg19) VCF-style: chr2-50463701-A-G.
Other names: c.3522+226T>C (NM_001330082.2, NM_001330077.2); c.3666+226T>C (NM_001135659.3); c.441+226T>C (NM_001330097.2, NM_138735.5, NM_001330091.2 and 1 more transcripts); c.3519+226T>C (NM_001330085.2); c.3480+226T>C (NM_001330083.2, NM_001330084.2); c.3465+226T>C (NM_001330088.2); c.3543+226T>C (NM_001330093.2); c.3534+226T>C (NM_001330094.2); and 3 more.
Identifiers: ClinVar variation 667707 (VCV000667707.1), dbSNP rs1618655, ClinGen allele CA47885104.